The following is an entry in ClinVar:

NM_000550.3(TYRP1):c.859C>T (p.Arg287Ter)

Gene: TYRP1 (tyrosinase related protein 1; plus strand). Cytogenetic location: 9p23.
Variant type: single nucleotide variant.
Coding change: c.859C>T on transcript NM_000550.3 (MANE Select); coding-DNA position 859, C replaced by T.
Protein change: p.Arg287Ter; replaces arginine 287 with a stop codon.
Molecular consequence: nonsense.
Genome position (GRCh38, 1-based): chr9:12,698,601, C>T. VCF-style: chr9-12698601-C-T. GRCh37 (hg19) VCF-style: chr9-12698601-C-T.
Other names: c.859C>T (NM_000550.2); short protein forms R287*.
Identifiers: ClinVar variation 1334531 (VCV001334531.28), dbSNP rs1435975707, ClinGen allele CA372939982.
Genomic context (GRCh38, chr9:12,698,601, plus strand): 5'-GGATCCAGAAGCAACTTTGATTCCACTCTAATAAGCCCAAACTCTGTCTTTTCTCAATGG[C>T]GAGTGGTCTGTGACTCCTTGGAAGATTATGATACCCTGGGAACACTTTGTAACAGTAAGT-3'

ClinVar aggregate classification (germline): Pathogenic/Likely pathogenic. Review status: criteria provided, multiple submitters, no conflicts (2 of 4 stars). 5 submissions from 5 submitters: Pathogenic (2); Likely pathogenic (3). Last evaluated 2025-05-30.

Conditions:
TYRP1-related disorder. Also called: TYRP1-related condition.
Oculocutaneous albinism type 3 (OCA3). Also called: Rufous OCA; Rufous albinism; RUFOUS OCULOCUTANEOUS ALBINISM; XANTHISM; ALBINISM III; Albinism, oculocutaneous, type III. Identifiers: Orphanet 79433, MedGen C0342683, MONDO:0008747, OMIM 203290.

Allele frequency attached by ClinVar (database versions not stated): gnomAD exomes 0.00001; gnomAD 0.00003 and 0.00004; TOPMed 0.00004.
gnomAD v4.1: 12 of 1,613,584 alleles (0.00074%); highest among the groups gnomAD compares: African/African-American, 0.008%; no homozygotes.

Submissions (5):

PreventionGenetics, part of Exact Sciences
Classification: Likely pathogenic for TYRP1-related condition. Last evaluated: 2025-05-30. Review status: criteria provided, single submitter. Criteria: ACMG Guidelines, 2015. Collection method: clinical testing. Allele origin: germline.
Comment: The TYRP1 c.859C>T variant is predicted to result in premature protein termination (p.Arg287*). To our knowledge, this variant has not been reported in the literature. This variant is present in 0.0080% of alleles in individuals of African descent in gnomAD. Nonsense variants in TYRP1 are an established mechanism of disease. This variant is interpreted as likely pathogenic.

CeGaT Center for Human Genetics Tuebingen
Classification: Pathogenic. Last evaluated: 2024-06-01. Review status: criteria provided, single submitter. Criteria: CeGaT Center For Human Genetics Tuebingen Variant Classification Criteria Version 2. Collection method: clinical testing. Allele origin: germline. Affected: yes. Observed: 1 variant allele.
Comment: TYRP1: PVS1, PM2, PM3:Supporting

Labcorp Genetics (formerly Invitae), Labcorp
Classification: Pathogenic. Last evaluated: 2024-01-24. Review status: criteria provided, single submitter. Criteria: Invitae Variant Classification Sherloc (09022015). Collection method: clinical testing. Allele origin: germline.
Comment: This sequence change creates a premature translational stop signal (p.Arg287*) in the TYRP1 gene. It is expected to result in an absent or disrupted protein product. Loss-of-function variants in TYRP1 are known to be pathogenic (PMID: 8651291, 9345097). This variant is present in population databases (no rsID available, gnomAD 0.008%). This variant has not been reported in the literature in individuals affected with TYRP1-related conditions. ClinVar contains an entry for this variant (Variation ID: 1334531). Algorithms developed to predict the effect of sequence changes on RNA splicing suggest that this variant may disrupt the consensus splice site. For these reasons, this variant has been classified as Pathogenic.

Greenwood Genetic Center Diagnostic Laboratories, Greenwood Genetic Center
Classification: Likely pathogenic for Oculocutaneous albinism type 3. Last evaluated: 2021-08-09. Review status: criteria provided, single submitter. Criteria: ACMG Guidelines, 2015. Collection method: clinical testing. Allele origin: germline. Affected: yes.
Comment: PVS1, PM2

Blueprint Genetics
Classification: Likely pathogenic for TYRP1-related disorders. Last evaluated: 2021-07-06. Review status: criteria provided, single submitter. Criteria: ACMG Guidelines, 2015. Collection method: clinical testing. Allele origin: germline. Affected: yes. Observed: 3 variant alleles.

Literature cited by the submitters: PubMed 8651291 (cited by Labcorp Genetics (formerly Invitae), Labcorp); PubMed 9345097 (cited by Labcorp Genetics (formerly Invitae), Labcorp).